The following is an entry in ClinVar:

ClinVar aggregate classification (germline): Uncertain significance (1 of 4 stars; one submission).

Submission:

Ambry Genetics
Classification: Uncertain significance. Last evaluated: 2023-09-28. Review status: criteria provided, single submitter. Criteria: Ambry Variant Classification Scheme 2023. Collection method: clinical testing. Allele origin: germline.
Comment: The p.D1420E variant (also known as c.4260T>A), located in coding exon 39 of the KIF1B gene, results from a T to A substitution at nucleotide position 4260. The aspartic acid at codon 1420 is replaced by glutamic acid, an amino acid with highly similar properties. This amino acid position is conserved. In addition, the in silico prediction for this alteration is inconclusive. Since supporting evidence is limited at this time, the clinical significance of this alteration remains unclear.

NM_001365951.3(KIF1B):c.4398T>A (p.Asp1466Glu)

Gene: KIF1B (kinesin family member 1B; plus strand). Cytogenetic location: 1p36.22.
Variant type: single nucleotide variant.
Coding change: c.4398T>A on transcript NM_001365951.3 (MANE Select); coding-DNA position 4398, T replaced by A.
Protein change: p.Asp1466Glu; replaces aspartic acid 1466 with glutamic acid.
Molecular consequence: missense variant.
Genome position (GRCh38, 1-based): chr1:10,365,131, T>A. VCF-style: chr1-10365131-T-A. GRCh37 (hg19) VCF-style: chr1-10425189-T-A.
Other names: c.4398T>A, p.Asp1466Glu (NM_001365952.1); c.4260T>A, p.Asp1420Glu (NM_015074.3); short protein forms D1420E, D1466E.
Identifiers: ClinVar variation 3226496 (VCV003226496.1), dbSNP rs1265663201, ClinGen allele CA338320209.
Genomic context (GRCh38, chr1:10,365,131, plus strand): 5'-AAACAAAAACTTGTTTCCTCTTGTCTTAGGTATGCAGAGAAGGAGAAGAAAAATCTTAGA[T>A]ACGTCAGTGGCATATGTGCGGGGAGAAGAGAACTTAGCAGGCTGGCGGCCCCGTGGAGAC-3'
Protein context (NP_001352880.1, residues 1456-1476): GMQRRRRKIL[Asp1466Glu]TSVAYVRGEE